The following is an entry in ClinVar:

NM_006015.6(ARID1A):c.6419C>G (p.Pro2140Arg)

Gene: ARID1A (AT-rich interaction domain 1A; plus strand). Cytogenetic location: 1p36.11.
Variant type: single nucleotide variant.
Coding change: c.6419C>G on transcript NM_006015.6 (MANE Select); coding-DNA position 6419, C replaced by G.
Protein change: p.Pro2140Arg; replaces proline 2140 with arginine.
Molecular consequence: missense variant.
Genome position (GRCh38, 1-based): chr1:26,780,317, C>G. VCF-style: chr1-26780317-C-G. GRCh37 (hg19) VCF-style: chr1-27106808-C-G.
Other names: c.5768C>G, p.Pro1923Arg (NM_139135.4); short protein forms P1923R, P2140R.
Identifiers: ClinVar variation 3346001 (VCV003346001.1).

ClinVar aggregate classification (germline): Uncertain significance (0 of 4 stars; one submission).

Conditions:
ARID1A-related disorder. Also called: ARID1A-related condition.

gnomAD v4.1: 1 of 1,614,228 alleles (0.000062%); highest among the groups gnomAD compares: Non-Finnish European, 0.000085%; no homozygotes.

Submission:

PreventionGenetics, part of Exact Sciences
Classification: Uncertain significance for ARID1A-related condition. Last evaluated: 2024-08-12. Review status: no assertion criteria provided. Collection method: clinical testing. Allele origin: germline.
Comment: The ARID1A c.6419C>G variant is predicted to result in the amino acid substitution p.Pro2140Arg. To our knowledge, this variant has not been reported in the literature or in a large population database, indicating this variant is rare. At this time, the clinical significance of this variant is uncertain due to the absence of conclusive functional and genetic evidence.